The following is an entry in ClinVar:

NM_032447.5(FBN3):c.5914G>C (p.Glu1972Gln)

Gene: FBN3 (fibrillin 3; minus strand). Cytogenetic location: 19p13.2.
Variant type: single nucleotide variant.
Coding change: c.5914G>C on transcript NM_032447.5 (MANE Select); coding-DNA position 5914, G replaced by C.
Protein change: p.Glu1972Gln; replaces glutamic acid 1972 with glutamine.
Molecular consequence: missense variant.
Genome position (GRCh38, 1-based): chr19:8,091,582, C>G on the plus strand (G>C on the coding strand, the complement: FBN3 is on the minus strand). VCF-style: chr19-8091582-C-G. GRCh37 (hg19) VCF-style: chr19-8156466-C-G.
Other names: c.5914G>C, p.Glu1972Gln (NM_001321431.2); short protein forms E1972Q.
Identifiers: ClinVar variation 2823578 (VCV002823578.3), dbSNP rs201729752, ClinGen allele CA403723187.

ClinVar aggregate classification (germline): Uncertain significance (1 of 4 stars; one submission).

Submission:

Labcorp Genetics (formerly Invitae), Labcorp
Classification: Uncertain significance. Last evaluated: 2023-12-11. Review status: criteria provided, single submitter. Criteria: Invitae Variant Classification Sherloc (09022015). Collection method: clinical testing. Allele origin: germline.
Comment: This sequence change replaces glutamic acid, which is acidic and polar, with glutamine, which is neutral and polar, at codon 1972 of the FBN3 protein (p.Glu1972Gln). This variant is not present in population databases (gnomAD no frequency). This variant has not been reported in the literature in individuals affected with FBN3-related conditions. Advanced modeling of protein sequence and biophysical properties (such as structural, functional, and spatial information, amino acid conservation, physicochemical variation, residue mobility, and thermodynamic stability) performed at Invitae indicates that this missense variant is expected to disrupt FBN3 protein function with a positive predictive value of 80%. In summary, the available evidence is currently insufficient to determine the role of this variant in disease. Therefore, it has been classified as a Variant of Uncertain Significance.